The following is an entry in ClinVar:

NM_194248.3(OTOF):c.32C>T (p.Ser11Leu)

Gene: OTOF (otoferlin; minus strand). Cytogenetic location: 2p23.3.
Variant type: single nucleotide variant.
Coding change: c.32C>T on transcript NM_194248.3 (MANE Select); coding-DNA position 32, C replaced by T.
Protein change: p.Ser11Leu; replaces serine 11 with leucine.
Molecular consequence: missense variant.
Genome position (GRCh38, 1-based): chr2:26,558,540, G>A on the plus strand (C>T on the coding strand, the complement: OTOF is on the minus strand). VCF-style: chr2-26558540-G-A. GRCh37 (hg19) VCF-style: chr2-26781408-G-A.
Other names: c.32C>T, p.Ser11Leu (NM_001287489.2); short protein forms S11L.
Identifiers: ClinVar variation 1207818 (VCV001207818.7), dbSNP rs200972155, ClinGen allele CA1564846.

ClinVar aggregate classification (germline): Conflicting classifications of pathogenicity. Review status: criteria provided, conflicting classifications (1 of 4 stars). 3 submissions from 3 submitters: Uncertain significance (2); Benign (1). Last evaluated 2026-01-22.

Allele frequency attached by ClinVar (database versions not stated): 1000 Genomes Project 30x 0.00016; 1000 Genomes Project 0.00020; ESP Exome Variant Server 0.00023.
gnomAD v4.1: 66 of 1,614,012 alleles (0.0041%); highest among the groups gnomAD compares: African/African-American, 0.067%; no homozygotes.

Submissions (3):

Labcorp Genetics (formerly Invitae), Labcorp
Classification: Benign. Last evaluated: 2026-01-22. Review status: criteria provided, single submitter. Criteria: Invitae Variant Classification Sherloc (09022015). Collection method: clinical testing. Allele origin: germline.

Blueprint Genetics
Classification: Uncertain significance. Last evaluated: 2021-09-17. Review status: criteria provided, single submitter. Criteria: ACMG Guidelines, 2015. Collection method: clinical testing. Allele origin: germline.

GeneDx
Classification: Uncertain significance. Last evaluated: 2020-08-18. Review status: criteria provided, single submitter. Criteria: GeneDx Variant Classification Process June 2021. Collection method: clinical testing. Allele origin: germline. Affected: yes.
Comment: In silico analysis, which includes protein predictors and evolutionary conservation, supports that this variant does not alter protein structure/function; Has not been previously published as pathogenic or benign to our knowledge